The following is an entry in ClinVar:

NM_000321.3(RB1):c.1465T>C (p.Cys489Arg)

Gene: RB1 (RB transcriptional corepressor 1; plus strand). Cytogenetic location: 13q14.2.
Variant type: single nucleotide variant.
Coding change: c.1465T>C on transcript NM_000321.3 (MANE Select); coding-DNA position 1465, T replaced by C.
Protein change: p.Cys489Arg; replaces cysteine 489 with arginine.
Molecular consequence: missense variant.
Genome position (GRCh38, 1-based): chr13:48,380,208, T>C. VCF-style: chr13-48380208-T-C. GRCh37 (hg19) VCF-style: chr13-48954344-T-C.
Other names: c.1465T>C, p.Cys489Arg (NM_001407165.1, NM_001407166.1); short protein forms C489R.
Identifiers: ClinVar variation 3236993 (VCV003236993.1), dbSNP rs1948523129.
Genomic context (GRCh38, chr13:48,380,208, plus strand): 5'-TTTTTTTTTTCCTTTAGCAAACTTCTGAATGACAACATTTTTCATATGTCTTTATTGGCG[T>C]GCGCTCTTGAGGTTGTAATGGCCACATATAGCAGTAAGTTAAATTTTCATAAATAAACAC-3'
Protein context (NP_000312.2, residues 479-499): DNIFHMSLLA[Cys489Arg]ALEVVMATYS

ClinVar aggregate classification (germline): Uncertain significance (1 of 4 stars; one submission).

Conditions:
Retinoblastoma (RB1). Also called: RETINOBLASTOMA, SOMATIC. Identifiers: Orphanet 790, MedGen C0035335, MeSH D012175, MONDO:0008380, OMIM 180200, HP:0009919. Disease mechanism: loss of function. Inheritance: Both sporadic and heritable forms are tested..

Submission:

Genetic Diagnostic Laboratory, University of Pennsylvania School of Medicine
Classification: Uncertain significance for Retinoblastoma. Last evaluated: 2024-05-20. Review status: criteria provided, single submitter. Criteria: ACMG Guidelines, 2015. Collection method: clinical testing. Allele origin: germline. Affected: yes. Observed: 1 variant allele.
Comment: Case and Pedigree Information: BILATERAL CASES:1, UNILATERAL CASES:0, TOTAL CASES:1, PEDIGREES:1. ACMG Codes Applied:PM1, PM2, PP3